The following is an entry in ClinVar:

ClinVar aggregate classification (germline): Likely benign. Review status: criteria provided, multiple submitters, no conflicts (2 of 4 stars). 2 submissions from 2 submitters: Likely benign (2). Last evaluated 2025-08-22.

Conditions:
RP1L1-related disorder. Also called: RP1L1-related condition.

gnomAD v4.1: 28 of 1,603,812 alleles (0.0017%); highest among the groups gnomAD compares: Non-Finnish European, 0.0023%; no homozygotes.

Submissions (2):

PreventionGenetics, part of Exact Sciences
Classification: Likely benign for RP1L1-related condition. Last evaluated: 2025-08-22. Review status: criteria provided, single submitter. Criteria: ACMG Guidelines, 2015. Collection method: clinical testing. Allele origin: germline.
Comment: This variant is classified as likely benign based on ACMG/AMP sequence variant interpretation guidelines (Richards et al. 2015 PMID: 25741868, with internal and published modifications).

Blueprint Genetics
Classification: Likely benign. Last evaluated: 2024-09-24. Review status: criteria provided, single submitter. Criteria: ACMG Guidelines, 2015. Collection method: clinical testing. Allele origin: germline.

NM_178857.6(RP1L1):c.4515G>C (p.Ser1505=)

Gene: RP1L1 (RP1 like 1). Cytogenetic location: 8p23.1.
Variant type: single nucleotide variant.
Coding change: c.4515G>C on transcript NM_178857.6 (MANE Select); coding-DNA position 4515, G replaced by C.
Protein change: p.Ser1505=; no amino-acid change (serine 1505 retained).
Molecular consequence: synonymous variant.
Genome position (GRCh38, 1-based): chr8:10,609,583, C>G on the plus strand (G>C on the coding strand, the complement: RP1L1 is on the minus strand). VCF-style: chr8-10609583-C-G. GRCh37 (hg19) VCF-style: chr8-10467093-C-G.
Other names: c.4515G>C (NM_178857.5).
Identifiers: ClinVar variation 4899057 (VCV004899057.2).